The following is an entry in ClinVar:

ClinVar aggregate classification (germline): Uncertain significance (1 of 4 stars; one submission).

Submission:

Labcorp Genetics (formerly Invitae), Labcorp
Classification: Uncertain significance. Last evaluated: 2022-12-06. Review status: criteria provided, single submitter. Criteria: Invitae Variant Classification Sherloc (09022015). Collection method: clinical testing. Allele origin: germline.
Comment: This variant has not been reported in the literature in individuals affected with SZT2-related conditions. ClinVar contains an entry for this variant (Variation ID: 1502671). Advanced modeling of protein sequence and biophysical properties (such as structural, functional, and spatial information, amino acid conservation, physicochemical variation, residue mobility, and thermodynamic stability) performed at Invitae indicates that this missense variant is not expected to disrupt SZT2 protein function. In summary, the available evidence is currently insufficient to determine the role of this variant in disease. Therefore, it has been classified as a Variant of Uncertain Significance. This variant is not present in population databases (gnomAD no frequency). This sequence change replaces threonine, which is neutral and polar, with alanine, which is neutral and non-polar, at codon 2834 of the SZT2 protein (p.Thr2834Ala).

NM_001365999.1(SZT2):c.8671A>G (p.Thr2891Ala)

Gene: SZT2 (SZT2 subunit of KICSTOR complex; plus strand). Cytogenetic location: 1p34.2.
Variant type: single nucleotide variant.
Coding change: c.8671A>G on transcript NM_001365999.1 (MANE Select); coding-DNA position 8671, A replaced by G.
Protein change: p.Thr2891Ala; replaces threonine 2891 with alanine.
Molecular consequence: missense variant.
Genome position (GRCh38, 1-based): chr1:43,443,642, A>G. VCF-style: chr1-43443642-A-G. GRCh37 (hg19) VCF-style: chr1-43909313-A-G.
Other names: c.8500A>G, p.Thr2834Ala (NM_015284.4); short protein forms T2834A, T2891A.
Identifiers: ClinVar variation 1502671 (VCV001502671.8), dbSNP rs2153936166, ClinGen allele CA340040030.
Genomic context (GRCh38, chr1:43,443,642, plus strand): 5'-TCTTTACTCTCATAGCGGCGCCATCGCCCTGAGTCAGGGTCTGGGAGCCGAGAGGCCCCC[A>G]CAAGCTGTGAATCCTTGGATGTGTCGCCCCCGGGAGCCCGTGAGGAGCCTTGGCTGAAGG-3'
Protein context (NP_001352928.1, residues 2881-2901): ESGSGSREAP[Thr2891Ala]SCESLDVSPP